The following is an entry in ClinVar:

ClinVar aggregate classification (germline): Pathogenic (1 of 4 stars; one submission).

Conditions:
Schimke immuno-osseous dysplasia (SIOD). Also called: Schimke Immunoosseous Dysplasia. Identifiers: Orphanet 1830, MedGen C0877024, MONDO:0009458, OMIM 242900.

Allele frequency attached by ClinVar (database versions not stated): TOPMed below 0.00001.

Submission:

Labcorp Genetics (formerly Invitae), Labcorp
Classification: Pathogenic for Schimke immuno-osseous dysplasia. Last evaluated: 2022-03-18. Review status: criteria provided, single submitter. Criteria: Invitae Variant Classification Sherloc (09022015). Collection method: clinical testing. Allele origin: germline.
Comment: This sequence change creates a premature translational stop signal (p.Trp622*) in the SMARCAL1 gene. It is expected to result in an absent or disrupted protein product. Loss-of-function variants in SMARCAL1 are known to be pathogenic (PMID: 11799392, 20301550). This variant is not present in population databases (gnomAD no frequency). This variant has not been reported in the literature in individuals affected with SMARCAL1-related conditions. For these reasons, this variant has been classified as Pathogenic.

Literature cited by the submitters: PubMed 11799392; PubMed 20301550.

NM_014140.4(SMARCAL1):c.1866G>A (p.Trp622Ter)

Gene: SMARCAL1 (SNF2 related chromatin remodeling annealing helicase 1; plus strand). Cytogenetic location: 2q35.
Variant type: single nucleotide variant.
Coding change: c.1866G>A on transcript NM_014140.4 (MANE Select); coding-DNA position 1866, G replaced by A.
Protein change: p.Trp622Ter; replaces tryptophan 622 with a stop codon.
Molecular consequence: nonsense.
Genome position (GRCh38, 1-based): chr2:216,450,860, G>A. VCF-style: chr2-216450860-G-A. GRCh37 (hg19) VCF-style: chr2-217315583-G-A.
Other names: c.1866G>A, p.Trp622Ter (NM_001127207.2); short protein forms W622*.
Identifiers: ClinVar variation 2108141 (VCV002108141.4), dbSNP rs1330853690, ClinGen allele CA350501925.